The following continues an entry in ClinVar:

NM_144997.7(FLCN):c.1177-5_1177-3del

Gene: FLCN. ClinVar aggregate classification (germline): Pathogenic/Likely pathogenic. Pathogenic (9); Likely pathogenic (7).

Submissions 9 to 20 of 20:

Women's Health and Genetics/Laboratory Corporation of America, LabCorp
Classification: Pathogenic for Birt-Hogg-Dube syndrome. Last evaluated: 2024-02-13. Review status: criteria provided, single submitter. Criteria: LabCorp Variant Classification Summary - May 2015. Collection method: clinical testing. Allele origin: germline.
Comment: Variant summary: FLCN c.1177-5_1177-3delCTC alters a non-conserved nucleotide located close to a canonical splice site and therefore could affect mRNA splicing, leading to a significantly altered protein sequence. Consensus agreement among computation tools predict no significant impact on normal splicing. However, at least one publication reports experimental evidence via minigene assay confirmed by Sanger sequencing, that the variant results in skipping of exon 11 and fusion of exon 10 (in frame) to exon 12 which generates a frameshift and premature stop codon (p.T393Sfs33*) (e.g. Bartram_2017). The variant allele was found at a frequency of 1.2e-05 in 248662 control chromosomes. c.1177-5_1177-3delCTC has been reported in the literature in multiple heterozygous individuals affected with Birt-Hogg-Dube Syndrome including in families with multiple affected individuals (e.g. KunogiOkura_2013, Bartram_2017). These data indicate that the variant is very likely to be associated with disease. At least one publication reports experimental evidence evaluating an impact on protein function showing that FLCN protein levels in the presence of the variant are severely reduced in vitro and in patient tumor samples and peritoneal metastasis (e.g. Batram_2017). The following publications have been ascertained in the context of this evaluation (PMID: 28499369, 24190151). ClinVar contains an entry for this variant (Variation ID: 228691). Based on the evidence outlined above, the variant was classified as pathogenic.

Blueprint Genetics
Classification: Pathogenic for FLCN-related disorders. Last evaluated: 2023-11-22. Review status: criteria provided, single submitter. Criteria: ACMG Guidelines, 2015. Collection method: clinical testing. Allele origin: germline. Affected: yes. Observed: 3 variant alleles.

Myriad Genetics, Inc.
Classification: Likely pathogenic for Birt-Hogg-Dube syndrome 1. Last evaluated: 2023-07-06. Review status: criteria provided, single submitter. Criteria: Myriad Autosomal Dominant, Autosomal Recessive and X-Linked Classification Criteria (2023). Collection method: clinical testing. Allele origin: unknown.
Comment: This variant is considered likely pathogenic. Functional studies indicate this variant impacts protein function [PMID: 20413710]. This variant has been reported in multiple individuals with clinical features of gene-specific disease [PMID: 27734835, 24190151, 24994497, 31615547, 28499369].

Mayo Clinic Laboratories, Mayo Clinic
Classification: Pathogenic. Last evaluated: 2022-10-06. Review status: criteria provided, single submitter. Criteria: ACMG Guidelines, 2015. Collection method: clinical testing. Allele origin: germline. Observed: 2 variant alleles.
Comment: PP1_moderate, PP4, PM2, PS3, PS4_moderate

GeneDx
Classification: Pathogenic. Last evaluated: 2022-08-23. Review status: criteria provided, single submitter. Criteria: GeneDx Variant Classification Process June 2021. Collection method: clinical testing. Allele origin: germline. Affected: yes.
Comment: Non-canonical splice site variant demonstrated to result in loss of function (Kunogi et al., 2010); Not observed at significant frequency in large population cohorts (gnomAD); This variant is associated with the following publications: (PMID: 28558743, 19802896, 27220747, 24190151, 24994497, 27734835, 11100034, 28499369, 29357828, 31625278, 20413710)

MGZ Medical Genetics Center
Classification: Likely pathogenic for Birt-Hogg-Dube syndrome 1. Last evaluated: 2021-10-21. Review status: criteria provided, single submitter. Criteria: ACMG Guidelines, 2015. Collection method: clinical testing. Allele origin: germline. Affected: yes. Observed: 1 variant allele.
Comment: ACMG criteria applied: PS3, PS4_MOD, PM2_SUP, PP1

Laboratory for Molecular Medicine, Mass General Brigham Personalized Medicine
Classification: Likely pathogenic for Birt-Hogg-Dube syndrome 1. Last evaluated: 2021-01-06. Review status: criteria provided, single submitter. Criteria: LMM Criteria. Collection method: clinical testing. Allele origin: germline. Inheritance: Autosomal dominant inheritance. Observed: 1 variant allele.
Comment: The c.1177-5_1177-3delCTC variant in FLCN has been reported in at least 2 individuals with Birt-Hogg-Dube syndrome (BHDS) and 6 individuals with suspected BHDS and segregated with clinical features of the disease in 3 affected individuals from 2 families (Kunogi 2010 PMID: 20413710, Kunogi Okura 2013 PMID: 24190151, Johannesma 2014 PMID: 24994497, Furuya 2016 PMID: 27220747, Rossing 2017 PMID: 27734835, Bartram 2017 PMID: 28499369, Liu 2017 PMID: 28558743). This variant has also been reported by other clinical laboratories in ClinVar (Variation ID 228691) and has identified in 0.005% (1/21382) of Finnish and 0.002% (2/111570) of European chromosomes by gnomAD. This variant is a deletion of 3 nucleotides in the 3' splice region. In vitro minigene splicing assays functional studies support an impact on splicing, through exon 11 skipping, that leads to a truncated or absent protein (Rossing 2017 PMID: 27734835, Bartram 2017 PMID: 28499369). In summary, although additional studies are required to fully establish its clinical significance, this variant meets criteria to be classified as likely pathogenic for autosomal dominant Birt-Hogg-Dube syndrome. ACMG/AMP Criteria applied: PS4_Strong, PM2_Supporting, PP1, PS3_Moderate.

Juno Genomics, Hangzhou Juno Genomics, Inc
Classification: Likely pathogenic for Birt-Hogg-Dube syndrome 1; Colorectal cancer; Familial spontaneous pneumothorax; Nonpapillary renal cell carcinoma. Review status: criteria provided, single submitter. Criteria: ACMG Guidelines, 2015. Collection method: clinical testing. Allele origin: germline.
Comment: Well-established in vitro or in vivo functional studies supportive of a damaging effect on the gene or gene product.;Absent from controls (or at extremely low frequency if recessive) in Genome Aggregation Database.;The prevalence of the variant in affected individuals is significantly increased compared to the prevalence in controls.;Co-segregation with disease in multiple affected family members.

PreventionGenetics, part of Exact Sciences
Classification: Pathogenic for FLCN-related condition. Last evaluated: 2024-05-02. Review status: no assertion criteria provided. Collection method: clinical testing. Allele origin: germline. Not counted in ClinVar's aggregate classification.
Comment: The FLCN c.1177-5_1177-3delCTC variant is predicted to result in an intronic deletion. This variant has been reported in multiple individuals with Birt-Hogg-Dubé syndrome (Lim et al. 2010. PubMed ID: 19802896; Kunogi et al. 2010. PubMed ID: 20413710; Kunogi Okura et al. 2013. PubMed ID: 24190151). In vitro experimental studies have shown that this variant impacts protein function resulting in the skipping of exon 11 leading to premature protein termination (Bartram et al. 2017. PubMed ID: 28499369). This variant is reported in 0.0047% of alleles in individuals of European (Finnish) descent in gnomAD and has interpretations of uncertain, likely pathogenic, and pathogenic listed in ClinVar. This variant is interpreted as pathogenic.

Division of Respiratory Medicine of Juntendo University, Juntendo University Faculty of Medicine and Graduate School of Medicine
Classification: Pathogenic for Birt-Hogg-Dube syndrome 1. Last evaluated: 2023-07-01. Review status: no assertion criteria provided. Collection method: clinical testing. Allele origin: germline. Affected: yes. Not counted in ClinVar's aggregate classification.

Dr. Peter K. Rogan Lab, Western University
No classification provided (evidence only). Condition: Cervical cancer. Review status: no classification provided. Collection method: in vitro. Allele origin: not applicable. Functional consequence: skipped exon. Not counted in ClinVar's aggregate classification.

Genomic Diagnostic Laboratory, Division of Genomic Diagnostics, Children's Hospital of Philadelphia
Classification: Uncertain significance for Birt-Hogg-Dube Syndrome. Last evaluated: 2016-07-18. Review status: flagged submission. Criteria: DGD Variant Analysis Guidelines. Collection method: clinical testing. Allele origin: germline. Affected: yes. Observed: 14 variant alleles. Not counted in ClinVar's aggregate classification.
Comment: Clinical Testing
ClinVar note: Reason: Older and outlier claim with insufficient supporting evidence

Literature cited by the submitters: PubMed 19802896 (cited by 4 submitters); PubMed 20413710 (cited by 6 submitters); PubMed 24190151 (cited by 7 submitters); PubMed 27734835 (cited by 7 submitters); PubMed 28499369 (cited by 7 submitters); PubMed 24994497 (cited by 4 submitters); PubMed 27220747 (cited by 4 submitters); PubMed 17576681 (cited by Labcorp Genetics (formerly Invitae), Labcorp); PubMed 9536098 (cited by Labcorp Genetics (formerly Invitae), Labcorp); PubMed 28558743 (cited by Quest Diagnostics Nichols Institute San Juan Capistrano and Laboratory for Molecular Medicine, Mass General Brigham Personalized Medicine); PubMed 35176117 (cited by Quest Diagnostics Nichols Institute San Juan Capistrano and Mayo Clinic Laboratories, Mayo Clinic); PubMed 31615547 (cited by Myriad Genetics, Inc.); PubMed 33313181 (cited by Mayo Clinic Laboratories, Mayo Clinic).